The following is an entry in ClinVar:

NM_006593.4(TBR1):c.826A>G (p.Lys276Glu)

Gene: TBR1 (T-box brain transcription factor 1; plus strand). Cytogenetic location: 2q24.2.
Variant type: single nucleotide variant.
Coding change: c.826A>G on transcript NM_006593.4 (MANE Select); coding-DNA position 826, A replaced by G.
Protein change: p.Lys276Glu; replaces lysine 276 with glutamic acid.
Molecular consequence: missense variant.
Genome position (GRCh38, 1-based): chr2:161,417,809, A>G. VCF-style: chr2-161417809-A-G. GRCh37 (hg19) VCF-style: chr2-162274320-A-G.
Other names: short protein forms K276E.
Identifiers: ClinVar variation 4530333 (VCV004530333.1).

ClinVar aggregate classification (somatic clinical impact): Tier I - Strong (1 of 4 stars; one submission).

Conditions:
Medulloblastoma non-WNT/non-SHH group 4. Identifiers: MedGen C4330666, MONDO:0956967.

Submission:

Institute for Genomic Medicine (IGM) Clinical Laboratory, Nationwide Children's Hospital
Classification: Tier I - Strong for Medulloblastoma non-WNT/non-SHH group 4. Assertion type: diagnostic. Clinical significance: supports diagnosis. Last evaluated: 2024-12-02. Review status: criteria provided, single submitter. Criteria: AMP/ASCO/CAP Guidelines, 2017. Collection method: clinical testing. Allele origin: somatic. Affected: yes.
Comment: Variant has Tier I (strong) clinical significance as a diagnostic inclusion criterion in medulloblastoma non-WNT/non-SHH group 4, based on the following evidence: 1) Appears in one or more well-established professional guidelines (e.g., World Health Organization [WHO]; National Comprehensive Cancer Network [NCCN]) as providing diagnostic, prognostic, or therapeutic information. 2) Diagnostic for a specific tumor type/classification based on well-powered studies with expert-level consensus (Evidence Level B; PMIDs: 28057268, 26578866).

Literature cited by the submitters: PubMed 28057268; PubMed 26578866.